The following is an entry in ClinVar:

ClinVar aggregate classification (germline): Uncertain significance (1 of 4 stars; one submission).

Submission:

Labcorp Genetics (formerly Invitae), Labcorp
Classification: Uncertain significance. Last evaluated: 2021-06-03. Review status: criteria provided, single submitter. Criteria: Invitae Variant Classification Sherloc (09022015). Collection method: clinical testing. Allele origin: germline.
Comment: In summary, the available evidence is currently insufficient to determine the role of this variant in disease. Therefore, it has been classified as a Variant of Uncertain Significance. Experimental studies and prediction algorithms are not available or were not evaluated, and the functional significance of this variant is currently unknown. This variant has not been reported in the literature in individuals with CTNNA1-related conditions. This variant is not present in population databases (ExAC no frequency). This sequence change results in a frameshift in the CTNNA1 gene (p.Lys901Thrfs*34). While this is not anticipated to result in nonsense mediated decay, it is expected to disrupt the last 6 amino acid(s) of the CTNNA1 protein and extend the protein by 27 additional amino acid residues.

NM_001903.5(CTNNA1):c.2691_2701dup (p.Lys901fs)

Gene: CTNNA1 (catenin alpha 1; plus strand). Cytogenetic location: 5q31.2.
Variant type: Duplication.
Coding change: c.2691_2701dup on transcript NM_001903.5 (MANE Select); coding-DNA positions 2691 to 2701, 11 bases duplicated (CAGCGAGTTCA).
Protein change: p.Lys901fs; shifts the reading frame from lysine 901.
Molecular consequence: frameshift variant. On other transcripts: 3 prime UTR variant (5).
Genome position (GRCh38, 1-based): chr5:138,934,059-138,934,069, CAGCGAGTTCA duplicated. VCF-style (leftmost placement, unchanged base first): chr5-138934058-T-TCAGCGAGTTCA. GRCh37 (hg19) VCF-style: chr5-138269747-T-TCAGCGAGTTCA.
Other names: c.*236_*246dup (NM_001290307.3, NM_001324002.1, NM_001324003.1 and 2 more transcripts); c.2382_2392dup, p.Lys798fs (NM_001290309.3); c.2322_2332dup, p.Lys778fs (NM_001290310.3); c.1581_1591dup, p.Lys531fs (NM_001290312.1, NM_001323987.1, NM_001323988.1 and 12 more transcripts); c.2691_2701dup, p.Lys901fs (NM_001323982.2, NM_001323983.1, NM_001323984.2); c.2664_2674dup, p.Lys892fs (NM_001323985.2); c.2598_2608dup, p.Lys870fs (NM_001323986.2); c.1446_1456dup, p.Lys486fs (NM_001324001.1); and 3 more; short protein forms K486fs, K500fs, K901fs, K450fs, K531fs, K798fs, K418fs, K778fs.
Identifiers: ClinVar variation 1358639 (VCV001358639.6), dbSNP rs2150360450, ClinGen allele CA2573139173.
Genomic context (GRCh38, chr5:138,934,058, plus strand): 5'-AGACACAGACCAAGATTAAACGGGCATCTCAGAAGAAGCACGTGAACCCGGTGCAGGCCC[T>TCAGCGAGTTCA]CAGCGAGTTCAAAGCTATGGACAGCATCTAAGTCTGCCCAGGCCGGCCGCCCCCACCCCT-3'